The following is an entry in ClinVar:

ClinVar aggregate classification (germline): Conflicting classifications of pathogenicity. Review status: criteria provided, conflicting classifications (1 of 4 stars). 4 submissions from 4 submitters: Uncertain significance (3); Likely benign (1). Last evaluated 2026-02-20.

Conditions:
TTN-related disorder. Also called: TTN-related condition; TTN-related disease; TTN-related disorders.
Cardiomyopathy (CMYO). Also called: Cardiomyopathies. Identifiers: Orphanet 167848, MedGen C0878544, MONDO:0004994, HP:0001638. Inheritance: Various modes of inheritance.

Allele frequency attached by ClinVar (database versions not stated): gnomAD exomes 0.00002 and 0.00005; ExAC 0.00002; gnomAD 0.00002; TOPMed 0.00006.
gnomAD v4.1: 72 of 1,613,386 alleles (0.0045%); highest among the groups gnomAD compares: African/African-American, 0.0053%; no homozygotes.

Submissions (4):

PreventionGenetics, part of Exact Sciences
Classification: Uncertain significance for TTN-related condition. Last evaluated: 2026-02-20. Review status: criteria provided, single submitter. Criteria: ACMG Guidelines, 2015. Collection method: clinical testing. Allele origin: germline.
Comment: The TTN c.61963G>A variant is predicted to result in the amino acid substitution p.Glu20655Lys. To our knowledge, this variant has not been reported in the literature. This variant is reported in 0.0033% of alleles in individuals of South Asian descent in gnomAD. At this time, the clinical significance of this variant is uncertain due to the absence of conclusive functional and genetic evidence.

CeGaT Center for Human Genetics Tuebingen
Classification: Uncertain significance. Last evaluated: 2023-06-01. Review status: criteria provided, single submitter. Criteria: CeGaT Center For Human Genetics Tuebingen Variant Classification Criteria Version 2. Collection method: clinical testing. Allele origin: germline. Affected: yes. Observed: 1 variant allele.
Comment: TTN: PM2:Supporting

CHEO Genetics Diagnostic Laboratory, Children's Hospital of Eastern Ontario
Classification: Uncertain significance for Cardiomyopathy. Last evaluated: 2021-11-23. Review status: criteria provided, single submitter. Criteria: ACMG Guidelines, 2015. Collection method: clinical testing. Allele origin: germline.

GeneDx
Classification: Likely benign. Last evaluated: 2018-05-07. Review status: criteria provided, single submitter. Criteria: GeneDx Variant Classification (06012015). Collection method: clinical testing. Allele origin: germline. Affected: yes.
Comment: This variant is considered likely benign or benign based on one or more of the following criteria: it is a conservative change, it occurs at a poorly conserved position in the protein, it is predicted to be benign by multiple in silico algorithms, and/or has population frequency not consistent with disease.

NM_001267550.2(TTN):c.61963G>A (p.Glu20655Lys)

Genes: TTN (titin; minus strand), TTN-AS1 (TTN antisense RNA 1; plus strand). Cytogenetic location: 2q31.2.
Variant type: single nucleotide variant.
Coding change: c.61963G>A on transcript NM_001267550.2 (MANE Select); coding-DNA position 61963, G replaced by A.
Protein change: p.Glu20655Lys; replaces glutamic acid 20655 with lysine.
Molecular consequence: missense variant.
Genome position (GRCh38, 1-based): chr2:178,589,762, C>T on the plus strand (G>A on the coding strand, the complement: TTN is on the minus strand). VCF-style: chr2-178589762-C-T. GRCh37 (hg19) VCF-style: chr2-179454489-C-T.
Other names: c.57040G>A, p.Glu19014Lys (NM_001256850.1); c.34768G>A, p.Glu11590Lys (NM_003319.4); c.54259G>A, p.Glu18087Lys (NM_133378.4); c.35143G>A, p.Glu11715Lys (NM_133432.3); c.35344G>A, p.Glu11782Lys (NM_133437.4); short protein forms E11590K, E11715K, E11782K, E19014K, E20655K, E18087K.
Identifiers: ClinVar variation 668308 (VCV000668308.28), dbSNP rs776314797, ClinGen allele CA1992288.